The following is an entry in ClinVar:

ClinVar aggregate classification (germline): Uncertain significance (1 of 4 stars; one submission).

Submission:

Labcorp Genetics (formerly Invitae), Labcorp
Classification: Uncertain significance. Last evaluated: 2024-02-17. Review status: criteria provided, single submitter. Criteria: Invitae Variant Classification Sherloc (09022015). Collection method: clinical testing. Allele origin: germline.
Comment: This sequence change replaces arginine, which is basic and polar, with cysteine, which is neutral and slightly polar, at codon 924 of the PITPNM3 protein (p.Arg924Cys). This variant is not present in population databases (gnomAD no frequency). This variant has not been reported in the literature in individuals affected with PITPNM3-related conditions. ClinVar contains an entry for this variant (Variation ID: 1512923). Advanced modeling of protein sequence and biophysical properties (such as structural, functional, and spatial information, amino acid conservation, physicochemical variation, residue mobility, and thermodynamic stability) performed at Invitae indicates that this missense variant is not expected to disrupt PITPNM3 protein function with a negative predictive value of 80%. In summary, the available evidence is currently insufficient to determine the role of this variant in disease. Therefore, it has been classified as a Variant of Uncertain Significance.

NM_031220.4(PITPNM3):c.2770C>T (p.Arg924Cys)

Gene: PITPNM3 (PITPNM family member 3; minus strand). Cytogenetic location: 17p13.2.
Variant type: single nucleotide variant.
Coding change: c.2770C>T on transcript NM_031220.4 (MANE Select); coding-DNA position 2770, C replaced by T.
Protein change: p.Arg924Cys; replaces arginine 924 with cysteine.
Molecular consequence: missense variant.
Genome position (GRCh38, 1-based): chr17:6,455,493, G>A on the plus strand (C>T on the coding strand, the complement: PITPNM3 is on the minus strand). VCF-style: chr17-6455493-G-A. GRCh37 (hg19) VCF-style: chr17-6358813-G-A.
Other names: c.2662C>T, p.Arg888Cys (NM_001165966.2); short protein forms R888C, R924C.
Identifiers: ClinVar variation 1512923 (VCV001512923.8), dbSNP rs2150711462, ClinGen allele CA397400182.